The following is an entry in ClinVar:

NM_000883.4(IMPDH1):c.104G>A (p.Arg35Gln)

Genes: IMPDH1 (inosine monophosphate dehydrogenase 1; minus strand), LOC129999258 (ATAC-STARR-seq lymphoblastoid silent region 18606; plus strand). Cytogenetic location: 7q32.1.
Variant type: single nucleotide variant.
Coding change: c.104G>A on transcript NM_000883.4 (MANE Select); coding-DNA position 104, G replaced by A.
Protein change: p.Arg35Gln; replaces arginine 35 with glutamine.
Molecular consequence: missense variant.
Genome position (GRCh38, 1-based): chr7:128,409,798, C>T on the plus strand (G>A on the coding strand, the complement: IMPDH1 is on the minus strand). VCF-style: chr7-128409798-C-T. GRCh37 (hg19) VCF-style: chr7-128049852-C-T.
Other names: c.104G>A, p.Arg35Gln (NM_001102605.2, NM_001142576.2, NM_001304521.2 and 1 more transcripts); short protein forms R35Q.
Identifiers: ClinVar variation 1368053 (VCV001368053.8), dbSNP rs1390563404, ClinGen allele CA369181934.

ClinVar aggregate classification (germline): Uncertain significance (1 of 4 stars; one submission).

Allele frequency attached by ClinVar (database versions not stated): gnomAD 0.00001; gnomAD exomes 0.00001 and 0.00002; TOPMed 0.00001.
gnomAD v4.1: 4 of 1,502,618 alleles (0.00027%); highest among the groups gnomAD compares: Admixed American, 0.0085%; no homozygotes.

Submission:

Labcorp Genetics (formerly Invitae), Labcorp
Classification: Uncertain significance. Last evaluated: 2025-01-27. Review status: criteria provided, single submitter. Criteria: Invitae Variant Classification Sherloc (09022015). Collection method: clinical testing. Allele origin: germline.
Comment: This sequence change replaces arginine, which is basic and polar, with glutamine, which is neutral and polar, at codon 35 of the IMPDH1 protein (p.Arg35Gln). The frequency data for this variant in the population databases is considered unreliable, as metrics indicate poor data quality at this position in the gnomAD database. This variant has not been reported in the literature in individuals affected with IMPDH1-related conditions. ClinVar contains an entry for this variant (Variation ID: 1368053). An algorithm developed to predict the effect of missense changes on protein structure and function (PolyPhen-2) suggests that this variant is likely to be tolerated. In summary, the available evidence is currently insufficient to determine the role of this variant in disease. Therefore, it has been classified as a Variant of Uncertain Significance.